The following is an entry in ClinVar:

NM_020066.5(FMN2):c.3501T>A (p.Pro1167=)

Gene: FMN2 (formin 2; plus strand). Cytogenetic location: 1q43.
Variant type: single nucleotide variant.
Coding change: c.3501T>A on transcript NM_020066.5 (MANE Select); coding-DNA position 3501, T replaced by A.
Protein change: p.Pro1167=; no amino-acid change (proline 1167 retained).
Molecular consequence: synonymous variant. On other transcripts: intron variant (1).
Genome position (GRCh38, 1-based): chr1:240,208,313, T>A. VCF-style: chr1-240208313-T-A. GRCh37 (hg19) VCF-style: chr1-240371613-T-A.
Other names: c.3513T>A, p.Pro1171= (NM_001305424.2); c.1986+20051T>A (NM_001348094.2).
Identifiers: ClinVar variation 4280943 (VCV004280943.7).
Genomic context (GRCh38, chr1:240,208,313, plus strand): 5'-CAGAGTGGGCATACCCCCTCCGCCCCCACTTCCCGGAGCGGGCATACCCCCACCTCCCCC[T>A]CTACCCGGAGCGGGCATACCCCCTCCGCCCCCTCTACCTGGAGTGGGAATACCTCCTCCG-3'
Protein context (NP_064450.3, residues 1157-1177): LPGAGIPPPP[Pro1167=]LPGAGIPPPP

ClinVar aggregate classification (germline): Likely benign (1 of 4 stars; one submission).

Submission:

CeGaT Center for Human Genetics Tuebingen
Classification: Likely benign. Last evaluated: 2025-09-01. Review status: criteria provided, single submitter. Criteria: CeGaT Center For Human Genetics Tuebingen Variant Classification Criteria Version 2. Collection method: clinical testing. Allele origin: germline. Affected: yes. Observed: 1 variant allele.
Comment: FMN2: BP4, BP7